The following is an entry in ClinVar:

NM_018838.5(NDUFA12):c.257+190G>A

Gene: NDUFA12 (NADH:ubiquinone oxidoreductase subunit A12; minus strand). Cytogenetic location: 12q22.
Variant type: single nucleotide variant.
Coding change: c.257+190G>A on transcript NM_018838.5 (MANE Select); 190 bases into the intron after coding-DNA position 257, G replaced by A.
Molecular consequence: intron variant.
Genome position (GRCh38, 1-based): chr12:94,993,980, C>T on the plus strand (G>A on the coding strand, the complement: NDUFA12 is on the minus strand). VCF-style: chr12-94993980-C-T. GRCh37 (hg19) VCF-style: chr12-95387756-C-T.
Other names: c.169+8759G>A (NM_001258338.2).
Identifiers: ClinVar variation 682690 (VCV000682690.1), dbSNP rs10859819, ClinGen allele CA13597762.

ClinVar aggregate classification (germline): Benign (1 of 4 stars; one submission).

Allele frequency attached by ClinVar (database versions not stated): gnomAD 0.38397; TOPMed 0.40109; 1000 Genomes Project 30x 0.42146; 1000 Genomes Project 0.42472.
gnomAD v4.1: 59,422 of 151,726 alleles (39%); highest among the groups gnomAD compares: East Asian, 58%; 12,218 homozygotes.

Submission:

GeneDx
Classification: Benign. Last evaluated: 2018-06-14. Review status: criteria provided, single submitter. Criteria: GeneDx Variant Classification (06012015). Collection method: clinical testing. Allele origin: germline. Affected: yes.
Comment: This variant is considered likely benign or benign based on one or more of the following criteria: it is a conservative change, it occurs at a poorly conserved position in the protein, it is predicted to be benign by multiple in silico algorithms, and/or has population frequency not consistent with disease.